The following is an entry in ClinVar:

NM_022081.6(HPS4):c.1313G>A (p.Gly438Glu)

Gene: HPS4 (HPS4 biogenesis of lysosomal organelles complex 3 subunit 2; minus strand). Cytogenetic location: 22q12.1.
Variant type: single nucleotide variant.
Coding change: c.1313G>A on transcript NM_022081.6 (MANE Select); coding-DNA position 1313, G replaced by A.
Protein change: p.Gly438Glu; replaces glycine 438 with glutamic acid.
Molecular consequence: missense variant. On other transcripts: non-coding transcript variant (8).
Genome position (GRCh38, 1-based): chr22:26,464,317, C>T on the plus strand (G>A on the coding strand, the complement: HPS4 is on the minus strand). VCF-style: chr22-26464317-C-T. GRCh37 (hg19) VCF-style: chr22-26860283-C-T.
Other names: c.1313G>A, p.Gly438Glu (NM_001349896.1, NM_001349898.2, NM_001349899.2 and 4 more transcripts); c.1367G>A, p.Gly456Glu (NM_001349900.2, NM_001349901.1); c.1298G>A, p.Gly433Glu (NM_152841.2); short protein forms G433E, G438E, G456E.
Identifiers: ClinVar variation 1373990 (VCV001373990.4), dbSNP rs750452419, ClinGen allele CA10163352.
Genomic context (GRCh38, chr22:26,464,317, plus strand): 5'-GCTCTGGGAATGGGGGCTTGGCTGCTATGGCCAGGATGGTCTTCGAGCTGCTCTTGGGCT[C>T]CATGCTGGGTCAGCATCTCAGGAGCAGAGGGAGGGCGCAAGCTGCTGATGGCTGTGTCCT-3'
Protein context (NP_071364.4, residues 428-448): PSAPEMLTQH[Gly438Glu]AQEQLEDHPG

ClinVar aggregate classification (germline): Uncertain significance (1 of 4 stars; one submission).

Allele frequency attached by ClinVar (database versions not stated): gnomAD 0.00001; gnomAD exomes 0.00003; ExAC 0.00005.
gnomAD v4.1: 20 of 1,613,954 alleles (0.0012%); highest among the groups gnomAD compares: South Asian, 0.022%; no homozygotes.

Submission:

Labcorp Genetics (formerly Invitae), Labcorp
Classification: Uncertain significance. Last evaluated: 2021-08-11. Review status: criteria provided, single submitter. Criteria: Invitae Variant Classification Sherloc (09022015). Collection method: clinical testing. Allele origin: germline.
Comment: This sequence change replaces glycine with glutamic acid at codon 438 of the HPS4 protein (p.Gly438Glu). The glycine residue is moderately conserved and there is a moderate physicochemical difference between glycine and glutamic acid. This variant is present in population databases (rs750452419, ExAC 0.04%). This variant has not been reported in the literature in individuals affected with HPS4-related conditions. Algorithms developed to predict the effect of missense changes on protein structure and function are either unavailable or do not agree on the potential impact of this missense change (SIFT: "Tolerated"; PolyPhen-2: "Possibly Damaging"; Align-GVGD: "Class C0"). In summary, the available evidence is currently insufficient to determine the role of this variant in disease. Therefore, it has been classified as a Variant of Uncertain Significance.